The following is an entry in ClinVar:

NM_207361.6(FREM2):c.3296A>G (p.Asn1099Ser)

Gene: FREM2 (FRAS1 related extracellular matrix 2; plus strand). Cytogenetic location: 13q13.3.
Variant type: single nucleotide variant.
Coding change: c.3296A>G on transcript NM_207361.6 (MANE Select); coding-DNA position 3296, A replaced by G.
Protein change: p.Asn1099Ser; replaces asparagine 1099 with serine.
Molecular consequence: missense variant.
Genome position (GRCh38, 1-based): chr13:38,690,640, A>G. VCF-style: chr13-38690640-A-G. GRCh37 (hg19) VCF-style: chr13-39264777-A-G.
Other names: short protein forms N1099S.
Identifiers: ClinVar variation 882376 (VCV000882376.7), dbSNP rs374360439, ClinGen allele CA6954777.

ClinVar aggregate classification (germline): Conflicting classifications of pathogenicity. Review status: criteria provided, conflicting classifications (1 of 4 stars). 4 submissions from 4 submitters: Uncertain significance (3); Likely benign (1). Last evaluated 2025-08-26.

Conditions:
Fraser syndrome 2 (FRASRS2). Identifiers: MedGen C4540036, MONDO:0054738, OMIM 617666.
Isolated cryptophthalmia. Also called: Cryptophthalmos, unilateral or bilateral, isolated; ANKYLOBLEPHARON, SIMPLE. Identifiers: Orphanet 91396, MedGen C1852453, MONDO:0007410, OMIM 123570.
Inborn genetic diseases. Identifiers: MedGen C0950123, MeSH D030342.

Allele frequency attached by ClinVar (database versions not stated): gnomAD exomes below 0.00001 and 0.00001; ExAC 0.00001; gnomAD 0.00001 and 0.00002; TOPMed 0.00001; 1000 Genomes Project 30x 0.00016; 1000 Genomes Project 0.00020.
gnomAD v4.1: 14 of 1,613,838 alleles (0.00087%); highest among the groups gnomAD compares: East Asian, 0.0045%; no homozygotes.

Submissions (4):

Ambry Genetics
Classification: Uncertain significance for Inborn genetic diseases. Last evaluated: 2025-08-26. Review status: criteria provided, single submitter. Criteria: Ambry Variant Classification Scheme 2023. Collection method: clinical testing. Allele origin: germline.

3billion
Classification: Likely benign for Isolated cryptophthalmia; Fraser syndrome 2. Last evaluated: 2024-09-20. Review status: criteria provided, single submitter. Criteria: ACMG Guidelines, 2015. Collection method: clinical testing. Allele origin: germline. Affected: no.
Comment: The homozygous variant was found in patients diagnosed with another variant in a different gene, with no symptoms related to the gene containing the homozygous variant.

Fulgent Genetics
Classification: Uncertain significance for Isolated cryptophthalmia; Fraser syndrome 2. Last evaluated: 2024-05-06. Review status: criteria provided, single submitter. Criteria: ACMG Guidelines, 2015. Collection method: clinical testing. Allele origin: germline.

Illumina Laboratory Services, Illumina
Classification: Uncertain significance for Fraser syndrome 2. Last evaluated: 2018-01-13. Review status: criteria provided, single submitter. Criteria: ICSL Variant Classification Criteria 13 December 2019. Collection method: clinical testing. Allele origin: germline.